The following is an entry in ClinVar:

NM_001415.4(EIF2S3):c.1154G>A (p.Arg385His)

Gene: EIF2S3 (eukaryotic translation initiation factor 2 subunit gamma; plus strand). Cytogenetic location: Xp22.11.
Variant type: single nucleotide variant.
Coding change: c.1154G>A on transcript NM_001415.4 (MANE Select); coding-DNA position 1154, G replaced by A.
Protein change: p.Arg385His; replaces arginine 385 with histidine.
Molecular consequence: missense variant.
Genome position (GRCh38, 1-based): chrX:24,071,699, G>A. VCF-style: chrX-24071699-G-A. GRCh37 (hg19) VCF-style: chrX-24089816-G-A.
Other names: short protein forms R385H.
Identifiers: ClinVar variation 3372620 (VCV003372620.1).
Genomic context (GRCh38, chrX:24,071,699, plus strand): 5'-CTGAGATATTCACAGAATTGGAAATTTCCTATTTCCTGCTTAGACGGCTTCTAGGTGTAC[G>A]CACTGAAGGAGACAAGAAAGCAGCAAAGGTAAATGCTTTTTTAAAAATTCCTGTTTCTAA-3'
Protein context (NP_001406.1, residues 375-395): YFLLRRLLGV[Arg385His]TEGDKKAAKV

ClinVar aggregate classification (germline): Uncertain significance (1 of 4 stars; one submission).

Submission:

GeneDx
Classification: Uncertain significance. Last evaluated: 2024-04-15. Review status: criteria provided, single submitter. Criteria: GeneDx Variant Classification Process June 2021. Collection method: clinical testing. Allele origin: germline. Affected: yes.
Comment: Not observed at significant frequency in large population cohorts (gnomAD); In silico analysis supports that this missense variant has a deleterious effect on protein structure/function; Has not been previously published as pathogenic or benign to our knowledge